The following is an entry in ClinVar:

NM_003072.5(SMARCA4):c.2485G>T (p.Val829Leu)

Gene: SMARCA4 (SWI/SNF related BAF chromatin remodeling complex subunit ATPase 4; plus strand). Cytogenetic location: 19p13.2.
Variant type: single nucleotide variant.
Coding change: c.2485G>T on transcript NM_003072.5 (MANE Select); coding-DNA position 2485, G replaced by T.
Protein change: p.Val829Leu; replaces valine 829 with leucine.
Molecular consequence: missense variant. On other transcripts: non-coding transcript variant (1).
Genome position (GRCh38, 1-based): chr19:11,019,003, G>T. VCF-style: chr19-11019003-G-T. GRCh37 (hg19) VCF-style: chr19-11129679-G-T.
Other names: c.2485G>T, p.Val829Leu (NM_001128844.3, NM_001128845.2, NM_001128846.2 and 4 more transcripts); short protein forms V829L.
Identifiers: ClinVar variation 821368 (VCV000821368.6), dbSNP rs1338927115, ClinGen allele CA404053709.

ClinVar aggregate classification (germline): Uncertain significance. Review status: criteria provided, multiple submitters, no conflicts (2 of 4 stars). 2 submissions from 2 submitters: Uncertain significance (2). Last evaluated 2025-12-10.

Conditions:
Hereditary cancer-predisposing syndrome. Also called: Neoplastic Syndromes, Hereditary; Tumor predisposition; Hereditary Cancer Syndrome; Hereditary neoplastic syndrome. Identifiers: Orphanet 140162, MedGen C0027672, MeSH D009386, MONDO:0015356.
Rhabdoid tumor predisposition syndrome 2 (RTPS2). Identifiers: Orphanet 231108, Orphanet 69077, MedGen C2750074, MONDO:0013224, OMIM 613325.

Submissions (2):

Labcorp Genetics (formerly Invitae), Labcorp
Classification: Uncertain significance for Rhabdoid tumor predisposition syndrome 2. Last evaluated: 2025-12-10. Review status: criteria provided, single submitter. Criteria: Invitae Variant Classification Sherloc (09022015). Collection method: clinical testing. Allele origin: germline.
Comment: This sequence change replaces valine, which is neutral and non-polar, with leucine, which is neutral and non-polar, at codon 829 of the SMARCA4 protein (p.Val829Leu). This variant is not present in population databases (gnomAD no frequency). This variant has not been reported in the literature in individuals affected with SMARCA4-related conditions. ClinVar contains an entry for this variant (Variation ID: 821368). Invitae Evidence Modeling of protein sequence and biophysical properties (such as structural, functional, and spatial information, amino acid conservation, physicochemical variation, residue mobility, and thermodynamic stability) indicates that this missense variant is expected to disrupt SMARCA4 protein function with a positive predictive value of 95%. In summary, the available evidence is currently insufficient to determine the role of this variant in disease. Therefore, it has been classified as a Variant of Uncertain Significance.

Ambry Genetics
Classification: Uncertain significance for Hereditary cancer-predisposing syndrome. Last evaluated: 2025-02-11. Review status: criteria provided, single submitter. Criteria: Ambry Variant Classification Scheme 2023. Collection method: clinical testing. Allele origin: germline.
Comment: The p.V829L variant (also known as c.2485G>T), located in coding exon 16 of the SMARCA4 gene, results from a G to T substitution at nucleotide position 2485. The valine at codon 829 is replaced by leucine, an amino acid with highly similar properties. This amino acid position is highly conserved in available vertebrate species. In addition, this alteration is predicted to be deleterious by in silico analysis. Based on the available evidence, the clinical significance of this variant remains unclear.